The following is an entry in ClinVar:

ClinVar aggregate classification (germline): Uncertain significance (1 of 4 stars; one submission).

gnomAD v4.1: 8 of 1,613,758 alleles (0.0005%); highest among the groups gnomAD compares: East Asian, 0.0067%; no homozygotes.

Submission:

Ambry Genetics
Classification: Uncertain significance. Last evaluated: 2026-01-09. Review status: criteria provided, single submitter. Criteria: Ambry Variant Classification Scheme 2023. Collection method: clinical testing. Allele origin: germline.
Comment: The c.2827G>A (p.D943N) alteration is located in exon 4 (coding exon 4) of the SPATA31D1 gene. This alteration results from a G to A substitution at nucleotide position 2827, causing the aspartic acid (D) at amino acid position 943 to be replaced by an asparagine (N). Based on data from gnomAD, the A allele has an overall frequency of 0.002% (4/249066) total alleles studied. The highest observed frequency was 0.011% (2/17976) of East Asian alleles. Based on insufficient or conflicting evidence, the clinical significance of this alteration remains unclear.

NM_001001670.3(SPATA31D1):c.2827G>A (p.Asp943Asn)

Gene: SPATA31D1 (SPATA31 subfamily D member 1; plus strand). Cytogenetic location: 9q21.32.
Variant type: single nucleotide variant.
Coding change: c.2827G>A on transcript NM_001001670.3 (MANE Select); coding-DNA position 2827, G replaced by A.
Protein change: p.Asp943Asn; replaces aspartic acid 943 with asparagine.
Molecular consequence: missense variant.
Genome position (GRCh38, 1-based): chr9:81,993,297, G>A. VCF-style: chr9-81993297-G-A. GRCh37 (hg19) VCF-style: chr9-84608212-G-A.
Other names: short protein forms D943N.
Identifiers: ClinVar variation 2293316 (VCV002293316.3), dbSNP rs561516052, ClinGen allele CA5099326.